The following is an entry in ClinVar:

ClinVar aggregate classification (germline): Pathogenic. Review status: criteria provided, single submitter (1 of 4 stars). 2 submissions from 2 submitters: Pathogenic (1). 1 of the submissions does not count toward it. Last evaluated 2019-10-23.

Conditions:
Ornithine carbamoyltransferase deficiency (OTCD). Also called: ORNITHINE TRANSCARBAMYLASE DEFICIENCY, HYPERAMMONEMIA DUE TO; ORNITHINE TRANSCARBAMYLASE DEFICIENCY; OTC DEFICIENCY; Ornithine Carbamoyltransferase Deficiency Disease. Identifiers: Orphanet 664, MedGen C0268542, MONDO:0010703, OMIM 311250.

Submissions (2):

Breakthrough Genomics
Classification: Pathogenic for Ornithine carbamoyltransferase deficiency. Last evaluated: 2019-10-23. Review status: criteria provided, single submitter. Criteria: ACMG Guidelines, 2015. Collection method: clinical testing. Allele origin: germline. Affected: yes.
Comment: In silico splice prediction tools (ASSP and NNSPLICE) suggest that this variant might affect splicing due to the loss of essential donor site and introduction of a new splice site, which in turn might lead to a frameshift and consequent premature termination of the protein; this will likely result in loss-of-function. This variant (also known as IVS9+2T>C) was previously reported as a deleterious mutation in association with acute neonatal hyperammonemia. In addition, all the mutations in consensus splicing sites identified in the study including IVS9+2T>C, are reported to confer a neonatal phenotype [PMID: 11793468].

GenMed Metabolism Lab
Classification: Pathogenic. Review status: no assertion criteria provided. Collection method: not provided. Allele origin: unknown. Not counted in ClinVar's aggregate classification.
Comment: Neonatal, Donor splice site error
ClinVar note: Converted during submission from pathogenic to Pathogenic.

NM_000531.6(OTC):c.1005+2T>C

Gene: OTC (ornithine transcarbamylase; plus strand). Cytogenetic location: Xp11.4.
Variant type: single nucleotide variant.
Coding change: c.1005+2T>C on transcript NM_000531.6 (MANE Select); the canonical splice donor site of the intron after coding-DNA position 1005, T replaced by C.
Molecular consequence: splice donor variant.
Genome position (GRCh38, 1-based): chrX:38,412,001, T>C. VCF-style: chrX-38412001-T-C. GRCh37 (hg19) VCF-style: chrX-38271254-T-C.
Other names: c.1005+2T>C (NM_001407092.1).
Identifiers: ClinVar variation 97090 (VCV000097090.4), dbSNP rs72558484, ClinGen allele CA224431.